The following is an entry in ClinVar:

NM_030662.4(MAP2K2):c.985-14G>C

Gene: MAP2K2 (mitogen-activated protein kinase kinase 2; minus strand). Cytogenetic location: 19p13.3.
Variant type: single nucleotide variant.
Coding change: c.985-14G>C on transcript NM_030662.4 (MANE Select); 14 bases into the intron before coding-DNA position 985, G replaced by C.
Molecular consequence: intron variant.
Genome position (GRCh38, 1-based): chr19:4,095,463, C>G on the plus strand (G>C on the coding strand, the complement: MAP2K2 is on the minus strand). VCF-style: chr19-4095463-C-G. GRCh37 (hg19) VCF-style: chr19-4095461-C-G.
Identifiers: ClinVar variation 2682589 (VCV002682589.4), dbSNP rs953403341, ClinGen allele CA304447559.

ClinVar aggregate classification (germline): Likely benign. Review status: criteria provided, multiple submitters, no conflicts (2 of 4 stars). 2 submissions from 2 submitters: Likely benign (2). Last evaluated 2025-10-18.

Conditions:
RASopathy. Also called: rasopathies; Noonan spectrum disorder. Identifiers: Orphanet 536391, MedGen C5555857, MONDO:0021060.

Submissions (2):

Labcorp Genetics (formerly Invitae), Labcorp
Classification: Likely benign for RASopathy. Last evaluated: 2025-10-18. Review status: criteria provided, single submitter. Criteria: Invitae Variant Classification Sherloc (09022015). Collection method: clinical testing. Allele origin: germline.

Women's Health and Genetics/Laboratory Corporation of America, LabCorp
Classification: Likely benign. Last evaluated: 2023-11-16. Review status: criteria provided, single submitter. Criteria: LabCorp Variant Classification Summary - May 2015. Collection method: clinical testing. Allele origin: germline.
Comment: Variant summary: MAP2K2 c.985-14G>C alters a conserved nucleotide located at a position not widely known to affect splicing. Consensus agreement among computation tools predict no significant impact on normal splicing. However, these predictions have yet to be confirmed by functional studies. The variant was absent in 156098 control chromosomes. The available data on variant occurrences in the general population are insufficient to allow any conclusion about variant significance. To our knowledge, no occurrence of c.985-14G>C in individuals affected with Cardiofaciocutaneous Syndrome and no experimental evidence demonstrating its impact on protein function have been reported. No submitters have cited clinical-significance assessments for this variant to ClinVar after 2014. Based on the evidence outlined above, the variant was classified as likely benign.